The following is an entry in ClinVar:

ClinVar aggregate classification (germline): Uncertain significance (1 of 4 stars; one submission).

Submission:

GeneDx
Classification: Uncertain significance. Last evaluated: 2019-04-18. Review status: criteria provided, single submitter. Criteria: GeneDx Variant Classification Process June 2021. Collection method: clinical testing. Allele origin: germline. Affected: yes.
Comment: Not observed in large population cohorts (Lek et al., 2016); In silico analysis, which includes protein predictors and evolutionary conservation, supports a deleterious effect; Has not been previously published as pathogenic or benign to our knowledge; Reported in ClinVar but additional evidence is not available (Alternate nomenclature: A322G; ClinVar Variant ID# 222636; Landrum et al., 2016)

NM_001159699.2(FHL1):c.813C>G (p.Cys271Trp)

Gene: FHL1 (four and a half LIM domains 1; plus strand). Cytogenetic location: Xq26.3.
Variant type: single nucleotide variant.
Coding change: c.813C>G on transcript NM_001159699.2 (MANE Select); coding-DNA position 813, C replaced by G.
Protein change: p.Cys271Trp; replaces cysteine 271 with tryptophan.
Molecular consequence: missense variant. On other transcripts: non-coding transcript variant (1).
Genome position (GRCh38, 1-based): chrX:136,209,947, C>G. VCF-style: chrX-136209947-C-G. GRCh37 (hg19) VCF-style: chrX-135292106-C-G.
Other names: c.765C>G, p.Cys255Trp (NM_001159700.2, NM_001369330.1, NM_001369331.1 and 4 more transcripts); c.852C>G, p.Cys284Trp (NM_001159701.2); c.965C>G, p.Ala322Gly (NM_001159702.3, NM_001369326.1, NM_001369327.2 and 1 more transcripts); c.578C>G, p.Ala193Gly (NM_001159703.2); c.626C>G, p.Ala209Gly (NM_001330659.2); short protein forms A322G, C255W, C271W, A193G, C284W, A209G.
Identifiers: ClinVar variation 222636 (VCV000222636.3), dbSNP rs869025432, ClinGen allele CA352044.